The following is an entry in ClinVar:

NM_001130987.2(DYSF):c.1057C>A (p.Leu353Met)

Gene: DYSF (dysferlin; plus strand). Cytogenetic location: 2p13.2.
Variant type: single nucleotide variant.
Coding change: c.1057C>A on transcript NM_001130987.2 (MANE Select); coding-DNA position 1057, C replaced by A.
Protein change: p.Leu353Met; replaces leucine 353 with methionine.
Molecular consequence: missense variant.
Genome position (GRCh38, 1-based): chr2:71,520,812, C>A. VCF-style: chr2-71520812-C-A. GRCh37 (hg19) VCF-style: chr2-71747942-C-A.
Other names: c.964C>A, p.Leu322Met (NM_001130455.2, NM_001130983.2, NM_001130984.2 and 1 more transcripts); c.961C>A, p.Leu321Met (NM_001130976.2, NM_001130977.2, NM_001130978.2 and 1 more transcripts); c.1054C>A, p.Leu352Met (NM_001130979.2, NM_001130980.2, NM_001130981.2); c.1057C>A, p.Leu353Met (NM_001130982.2, NM_001130985.2); short protein forms L321M, L322M, L352M, L353M.
Identifiers: ClinVar variation 1006222 (VCV001006222.2), dbSNP rs752460236, ClinGen allele CA347211969.

ClinVar aggregate classification (germline): Uncertain significance (1 of 4 stars; one submission).

Conditions:
Neuromuscular disease caused by qualitative or quantitative defects of dysferlin. Also called: Qualitative or quantitative defects of dysferlin; Dysferlinopathy. Identifiers: Orphanet 207073, MedGen C2931687, MONDO:0016145.

Allele frequency attached by ClinVar (database versions not stated): TOPMed below 0.00001.
gnomAD v4.1: 1 of 1,613,946 alleles (0.000062%); highest among the groups gnomAD compares: African/African-American, 0.0013%; no homozygotes.

Submission:

Labcorp Genetics (formerly Invitae), Labcorp
Classification: Uncertain significance for Neuromuscular disease caused by qualitative or quantitative defects of dysferlin. Last evaluated: 2021-09-01. Review status: criteria provided, single submitter. Criteria: Invitae Variant Classification Sherloc (09022015). Collection method: clinical testing. Allele origin: germline.
Comment: This sequence change replaces leucine with methionine at codon 321 of the DYSF protein (p.Leu321Met). The leucine residue is moderately conserved and there is a small physicochemical difference between leucine and methionine. This variant is not present in population databases (ExAC no frequency). This variant has not been reported in the literature in individuals affected with DYSF-related conditions. Algorithms developed to predict the effect of missense changes on protein structure and function are either unavailable or do not agree on the potential impact of this missense change (SIFT: "Tolerated"; PolyPhen-2: "Probably Damaging"; Align-GVGD: "Class C0"). In summary, the available evidence is currently insufficient to determine the role of this variant in disease. Therefore, it has been classified as a Variant of Uncertain Significance.